The following is an entry in ClinVar:

NM_000455.5(STK11):c.151_162del (p.Met51_Leu54del)

Gene: STK11 (serine/threonine kinase 11; plus strand). Cytogenetic location: 19p13.3.
Variant type: Deletion.
Coding change: c.151_162del on transcript NM_000455.5 (MANE Select); coding-DNA positions 151 to 162, 12 bases deleted (ATGGGGGACCTG).
Protein change: p.Met51_Leu54del.
Molecular consequence: inframe deletion.
Genome position (GRCh38, 1-based): chr19:1,207,064-1,207,075, ATGGGGGACCTG deleted; deleting any 12 consecutive bases within chr19:1,207,059-1,207,075 gives the same sequence; the c. name uses the placement nearest the transcript's 3' end. VCF-style (leftmost placement, unchanged base first): chr19-1207058-TACCTGATGGGGG-T. GRCh37 (hg19) VCF-style: chr19-1207057-TACCTGATGGGGG-T.
Other names: c.151_162del12 (NM_000455.4).
Identifiers: ClinVar variation 428748 (VCV000428748.10), dbSNP rs1131690916, ClinGen allele CA645369774.

ClinVar aggregate classification (germline): Conflicting classifications of pathogenicity. Review status: criteria provided, conflicting classifications (1 of 4 stars). 2 submissions from 2 submitters: Likely pathogenic (1); Uncertain significance (1). Last evaluated 2025-09-05.

Conditions:
Peutz-Jeghers syndrome (PJS). Also called: Peutz-Jeghers polyposis; Periorificial lentiginosis syndrome; POLYPOSIS, HAMARTOMATOUS INTESTINAL; POLYPS-AND-SPOTS SYNDROME. Identifiers: Orphanet 2869, MedGen C0031269, MeSH D010580, MONDO:0008280, OMIM 175200.
Hereditary cancer-predisposing syndrome. Also called: Hereditary neoplastic syndrome; Tumor predisposition; Neoplastic Syndromes, Hereditary; Hereditary Cancer Syndrome. Identifiers: Orphanet 140162, MedGen C0027672, MeSH D009386, MONDO:0015356.

Submissions (2):

Ambry Genetics
Classification: Likely pathogenic for Hereditary cancer-predisposing syndrome. Last evaluated: 2025-09-05. Review status: criteria provided, single submitter. Criteria: Ambry Variant Classification Scheme 2023. Collection method: clinical testing. Allele origin: germline.
Comment: The c.151_162del12 variant (also known as p.M51_L54del) is located in coding exon 1 of the STK11 gene. This variant results from an in-frame deletion of 12 nucleotides at positions 151 to 162. This results in the deletion of four amino acids at codons 51 to 54. This variant has been observed in individuals with a personal and/or family history that is consistent with Peutz-Jeghers syndrome (Resta N, Dig Liver Dis 2013 Jul; 45(7):606-11; Ambry internal data). Additionally, structural analysis has concluded that this alteration deleteriously affects an adjacent and essential ATP binding loop, and thus, leads to a deleterious functional effect on the protein (Zeqiraj E, Science 2009 Dec;326(5960):1707-11). This amino acid region is highly conserved in available vertebrate species. In addition, this alteration is predicted to be deleterious by in silico analysis (Choi Y et al. PLoS ONE. 2012; 7(10):e46688). This variant is considered to be rare based on population cohorts in the Genome Aggregation Database (gnomAD). Based on the majority of available evidence to date, this variant is likely to be pathogenic.

Labcorp Genetics (formerly Invitae), Labcorp
Classification: Uncertain significance for Peutz-Jeghers syndrome. Last evaluated: 2023-05-10. Review status: criteria provided, single submitter. Criteria: Invitae Variant Classification Sherloc (09022015). Collection method: clinical testing. Allele origin: germline.
Comment: In summary, the available evidence is currently insufficient to determine the role of this variant in disease. Therefore, it has been classified as a Variant of Uncertain Significance. Experimental studies and prediction algorithms are not available or were not evaluated, and the functional significance of this variant is currently unknown. ClinVar contains an entry for this variant (Variation ID: 428748). This variant has been observed in individual(s) with Peutz-Jeghers syndrome (PMID: 23415580). This variant is not present in population databases (gnomAD no frequency). This variant, c.151_162del, results in the deletion of 4 amino acid(s) of the STK11 protein (p.Met51_Leu54del), but otherwise preserves the integrity of the reading frame.

Literature cited by the submitters: PubMed 23415580 (cited by Ambry Genetics and Labcorp Genetics (formerly Invitae), Labcorp).